The following is an entry in ClinVar:

NM_001009944.3(PKD1):c.12399C>T (p.Phe4133=)

Gene: PKD1 (polycystin 1, transient receptor potential channel interacting; minus strand). Cytogenetic location: 16p13.3.
Variant type: single nucleotide variant.
Coding change: c.12399C>T on transcript NM_001009944.3 (MANE Select); coding-DNA position 12399, C replaced by T.
Protein change: p.Phe4133=; no amino-acid change (phenylalanine 4133 retained).
Molecular consequence: synonymous variant.
Genome position (GRCh38, 1-based): chr16:2,090,330, G>A on the plus strand (C>T on the coding strand, the complement: PKD1 is on the minus strand). VCF-style: chr16-2090330-G-A. GRCh37 (hg19) VCF-style: chr16-2140331-G-A.
Other names: p.Phe4133=; c.12396C>T, p.Phe4132= (NM_000296.4).
Identifiers: ClinVar variation 3067194 (VCV003067194.25), dbSNP rs116309559, ClinGen allele CA7828659.

ClinVar aggregate classification (germline): Likely benign. Review status: criteria provided, multiple submitters, no conflicts (2 of 4 stars). 5 submissions from 5 submitters: Likely benign (5). Last evaluated 2026-05-10.

Conditions:
PKD1-related disorder. Also called: PKD1-related condition.
Polycystic kidney disease, adult type (PKD1). Also called: Polycystic Kidney Disease 1, Autosomal Dominant; Polycystic kidney disease 1; Polycystic kidney disease 1, severe; Polycystic Kidney, Autosomal Dominant; POLYCYSTIC KIDNEY DISEASE, ADULT, TYPE I; POLYCYSTIC KIDNEY DISEASE 1 WITH OR WITHOUT POLYCYSTIC LIVER DISEASE. Identifiers: MedGen C3149841, MONDO:0008263, OMIM 173900.

Allele frequency attached by ClinVar (database versions not stated): gnomAD 0.00014; TOPMed 0.00019; 1000 Genomes Project 30x 0.00031; 1000 Genomes Project 0.00040.
gnomAD v4.1: 113 of 1,612,234 alleles (0.007%); highest among the groups gnomAD compares: East Asian, 0.22%; no homozygotes.

Submissions (5):

PreventionGenetics, part of Exact Sciences
Classification: Likely benign for PKD1-related condition. Last evaluated: 2026-05-10. Review status: criteria provided, single submitter. Criteria: ACMG Guidelines, 2015. Collection method: clinical testing. Allele origin: germline.
Comment: This variant is classified as likely benign based on ACMG/AMP sequence variant interpretation guidelines (Richards et al. 2015 PMID: 25741868, with internal and published modifications).

Mayo Clinic Laboratories, Mayo Clinic
Classification: Likely benign. Last evaluated: 2025-01-29. Review status: criteria provided, single submitter. Criteria: ACMG Guidelines, 2015. Collection method: clinical testing. Allele origin: germline. Observed: 1 variant allele.
Comment: BS1, BP4, BP7

Blueprint Genetics
Classification: Likely benign. Last evaluated: 2024-05-17. Review status: criteria provided, single submitter. Criteria: ACMG Guidelines, 2015. Collection method: clinical testing. Allele origin: germline.

CeGaT Center for Human Genetics Tuebingen
Classification: Likely benign. Last evaluated: 2024-03-01. Review status: criteria provided, single submitter. Criteria: CeGaT Center For Human Genetics Tuebingen Variant Classification Criteria Version 2. Collection method: clinical testing. Allele origin: germline. Affected: yes. Observed: 1 variant allele.
Comment: PKD1: BP4, BP7

Department of Pathology and Laboratory Medicine, Sinai Health System
Classification: Likely benign for Polycystic kidney disease, adult type. Last evaluated: 2023-12-15. Review status: criteria provided, single submitter. Criteria: ACMG Guidelines, 2015. Collection method: clinical testing. Allele origin: germline.